The following is an entry in ClinVar:

NM_004415.4(DSP):c.1068G>A (p.Thr356=)

Gene: DSP (desmoplakin; plus strand). Cytogenetic location: 6p24.3.
Variant type: single nucleotide variant.
Coding change: c.1068G>A on transcript NM_004415.4 (MANE Select); coding-DNA position 1068, G replaced by A.
Protein change: p.Thr356=; no amino-acid change (threonine 356 retained).
Molecular consequence: synonymous variant.
Genome position (GRCh38, 1-based): chr6:7,567,377, G>A. VCF-style: chr6-7567377-G-A. GRCh37 (hg19) VCF-style: chr6-7567610-G-A.
Other names: c.1068G>A (LRG_423t1); c.1068G>A, p.Thr356= (NM_001008844.3, NM_001319034.2).
Identifiers: ClinVar variation 381024 (VCV000381024.12), dbSNP rs766094745, ClinGen allele CA026923.
Genomic context (GRCh38, chr6:7,567,377, plus strand): 5'-GAGCTAGGCTAAGACAGCTGACATTTTCTTGTTTCAGGCCTATATGGACACTCTGCAGAC[G>A]CAGTGGAGTTGGATTCTTCAGATCACCAAGTGCATTGATGTTCATCTGAAAGAAAATGCT-3'
Protein context (NP_004406.2, residues 346-366): KIEAYMDTLQ[Thr356=]QWSWILQITK

ClinVar aggregate classification (germline): Likely benign. Review status: criteria provided, multiple submitters, no conflicts (2 of 4 stars). 4 submissions from 4 submitters: Likely benign (4). Last evaluated 2025-12-02.

Conditions:
Cardiovascular phenotype. Identifiers: MedGen CN230736.
Arrhythmogenic right ventricular dysplasia 8 (ARVD8). Also called: Arrhythmogenic Right Ventricular Dysplasia/Cardiomyopathy 8; ARRHYTHMOGENIC RIGHT VENTRICULAR CARDIOMYOPATHY 8; ARRHYTHMOGENIC RIGHT VENTRICULAR DYSPLASIA, FAMILIAL, 8. Identifiers: MedGen C1843896, MONDO:0011831, OMIM 607450.
Arrhythmogenic cardiomyopathy with wooly hair and keratoderma. Also called: Carvajal syndrome; Dilated cardiomyopathy with woolly hair and keratoderma; Arrhythmogenic cardiomyopathy with woolly hair and keratoderma; PALMOPLANTAR KERATODERMA WITH LEFT VENTRICULAR CARDIOMYOPATHY AND WOOLLY HAIR. Identifiers: Orphanet 65282, MedGen C1854063, MONDO:0011581, OMIM 605676.
Cardiomyopathy (CMYO). Also called: Cardiomyopathies. Identifiers: Orphanet 167848, MedGen C0878544, MONDO:0004994, HP:0001638. Inheritance: Various modes of inheritance.

Allele frequency attached by ClinVar (database versions not stated): gnomAD 0.00001; gnomAD exomes 0.00001 and 0.00002; ExAC 0.00002; TOPMed 0.00003.
gnomAD v4.1: 11 of 1,613,878 alleles (0.00068%); highest among the groups gnomAD compares: East Asian, 0.0022%; no homozygotes.

Submissions (4):

Labcorp Genetics (formerly Invitae), Labcorp
Classification: Likely benign for Arrhythmogenic cardiomyopathy with wooly hair and keratoderma; Arrhythmogenic right ventricular dysplasia 8. Last evaluated: 2025-12-02. Review status: criteria provided, single submitter. Criteria: Invitae Variant Classification Sherloc (09022015). Collection method: clinical testing. Allele origin: germline.

Ambry Genetics
Classification: Likely benign for Cardiovascular phenotype. Last evaluated: 2025-03-31. Review status: criteria provided, single submitter. Criteria: Ambry Variant Classification Scheme 2023. Collection method: clinical testing. Allele origin: germline.

Color Diagnostics, LLC DBA Color Health
Classification: Likely benign for Cardiomyopathy. Last evaluated: 2020-10-26. Review status: criteria provided, single submitter. Criteria: ACMG Guidelines, 2015. Collection method: clinical testing. Allele origin: germline.

GeneDx
Classification: Likely benign. Last evaluated: 2015-10-22. Review status: criteria provided, single submitter. Criteria: GeneDx Variant Classification (06012015). Collection method: clinical testing. Allele origin: germline. Affected: yes.
Comment: This variant is considered likely benign or benign based on one or more of the following criteria: it is a conservative change, it occurs at a poorly conserved position in the protein, it is predicted to be benign by multiple in silico algorithms, and/or has population frequency not consistent with disease.